The following is an entry in ClinVar:

NM_014141.6(CNTNAP2):c.2096C>T (p.Pro699Leu)

Gene: CNTNAP2 (contactin associated protein 2; plus strand). Cytogenetic location: 7q35.
Variant type: single nucleotide variant.
Coding change: c.2096C>T on transcript NM_014141.6 (MANE Select); coding-DNA position 2096, C replaced by T.
Protein change: p.Pro699Leu; replaces proline 699 with leucine.
Molecular consequence: missense variant.
Genome position (GRCh38, 1-based): chr7:147,639,304, C>T. VCF-style: chr7-147639304-C-T. GRCh37 (hg19) VCF-style: chr7-147336396-C-T.
Other names: c.2096C>T (NM_014141.5); short protein forms P699L.
Identifiers: ClinVar variation 1445210 (VCV001445210.7), dbSNP rs764412489, ClinGen allele CA369926482.

ClinVar aggregate classification (germline): Uncertain significance. Review status: criteria provided, multiple submitters, no conflicts (2 of 4 stars). 2 submissions from 2 submitters: Uncertain significance (2). Last evaluated 2025-07-18.

Conditions:
Cortical dysplasia-focal epilepsy syndrome (PTHSL1). Also called: Pitt-Hopkins-like syndrome 1. Identifiers: Orphanet 163681, Orphanet 221150, MedGen C2750246, MONDO:0012400, OMIM 610042.

Submissions (2):

GeneDx
Classification: Uncertain significance. Last evaluated: 2025-07-18. Review status: criteria provided, single submitter. Criteria: GeneDx Variant Classification Process June 2021. Collection method: clinical testing. Allele origin: germline. Affected: yes.
Comment: Not observed at significant frequency in large population cohorts (gnomAD); In silico analysis supports that this missense variant has a deleterious effect on protein structure/function; Has not been previously published as pathogenic or benign to our knowledge

Labcorp Genetics (formerly Invitae), Labcorp
Classification: Uncertain significance for Cortical dysplasia-focal epilepsy syndrome. Last evaluated: 2021-05-26. Review status: criteria provided, single submitter. Criteria: Invitae Variant Classification Sherloc (09022015). Collection method: clinical testing. Allele origin: germline.
Comment: In summary, the available evidence is currently insufficient to determine the role of this variant in disease. Therefore, it has been classified as a Variant of Uncertain Significance. Algorithms developed to predict the effect of missense changes on protein structure and function are either unavailable or do not agree on the potential impact of this missense change (SIFT: "Deleterious"; PolyPhen-2: "Benign"; Align-GVGD: "Class C0"). This variant has not been reported in the literature in individuals with CNTNAP2-related conditions. This variant is not present in population databases (ExAC no frequency). This sequence change replaces proline with leucine at codon 699 of the CNTNAP2 protein (p.Pro699Leu). The proline residue is highly conserved and there is a moderate physicochemical difference between proline and leucine.